The following is an entry in ClinVar:

NM_052989.3(IFT122):c.1878T>G (p.Asp626Glu)

Gene: IFT122 (intraflagellar transport 122; plus strand). Cytogenetic location: 3q21.3.
Variant type: single nucleotide variant.
Coding change: c.1878T>G on transcript NM_052989.3 (MANE Select); coding-DNA position 1878, T replaced by G.
Protein change: p.Asp626Glu; replaces aspartic acid 626 with glutamic acid.
Molecular consequence: missense variant.
Genome position (GRCh38, 1-based): chr3:129,488,283, T>G. VCF-style: chr3-129488283-T-G. GRCh37 (hg19) VCF-style: chr3-129207126-T-G.
Other names: c.1701T>G, p.Asp567Glu (NM_018262.4, NM_001410810.1, NM_001410811.1 and 1 more transcripts); c.2031T>G, p.Asp677Glu (NM_052985.4); c.1545T>G, p.Asp515Glu (NM_052990.3, NM_001410815.1, NM_001410817.1); c.2031T>G (NM_052985.3); c.1854T>G, p.Asp618Glu (NM_001280541.2); c.1428T>G, p.Asp476Glu (NM_001280545.2); c.1251T>G, p.Asp417Glu (NM_001280546.2); c.1878T>G, p.Asp626Glu (NM_001410808.1, NM_001410809.1); short protein forms D476E, D626E, D677E, D417E, D567E, D515E, D618E.
Identifiers: ClinVar variation 2209951 (VCV002209951.4), dbSNP rs1299683890, ClinGen allele CA354478183.

ClinVar aggregate classification (germline): Uncertain significance. Review status: criteria provided, multiple submitters, no conflicts (2 of 4 stars). 3 submissions from 3 submitters: Uncertain significance (3). Last evaluated 2024-04-09.

Conditions:
Cranioectodermal dysplasia 1 (CED1). Also called: LEVIN SYNDROME I. Identifiers: Orphanet 1515, MedGen C0432235, MONDO:0021093, OMIM 218330.
Inborn genetic diseases. Identifiers: MedGen C0950123, MeSH D030342.

Allele frequency attached by ClinVar (database versions not stated): gnomAD exomes below 0.00001; gnomAD 0.00001; TOPMed 0.00002.
gnomAD v4.1: 6 of 1,614,056 alleles (0.00037%); highest among the groups gnomAD compares: Admixed American, 0.0067%; no homozygotes.

Submissions (3):

Fulgent Genetics
Classification: Uncertain significance for Cranioectodermal dysplasia 1. Last evaluated: 2024-04-09. Review status: criteria provided, single submitter. Criteria: ACMG Guidelines, 2015. Collection method: clinical testing. Allele origin: germline.

GeneDx
Classification: Uncertain significance. Last evaluated: 2023-11-15. Review status: criteria provided, single submitter. Criteria: GeneDx Variant Classification Process June 2021. Collection method: clinical testing. Allele origin: germline. Affected: yes.
Comment: Not observed at significant frequency in large population cohorts (gnomAD); In silico analysis supports that this missense variant does not alter protein structure/function; Has not been previously published as pathogenic or benign to our knowledge

Ambry Genetics
Classification: Uncertain significance for Inborn genetic diseases. Last evaluated: 2021-06-22. Review status: criteria provided, single submitter. Criteria: Ambry Variant Classification Scheme 2023. Collection method: clinical testing. Allele origin: germline.